The following is an entry in ClinVar:

NM_001429.4(EP300):c.3357T>C (p.Asp1119=)

Gene: EP300 (EP300 lysine acetyltransferase; plus strand). Cytogenetic location: 22q13.2.
Variant type: single nucleotide variant.
Coding change: c.3357T>C on transcript NM_001429.4 (MANE Select); coding-DNA position 3357, T replaced by C.
Protein change: p.Asp1119=; no amino-acid change (aspartic acid 1119 retained).
Molecular consequence: synonymous variant.
Genome position (GRCh38, 1-based): chr22:41,157,264, T>C. VCF-style: chr22-41157264-T-C. GRCh37 (hg19) VCF-style: chr22-41553268-T-C.
Other names: c.3279T>C, p.Asp1093= (NM_001362843.2); c.3357T>C (NM_001429.3).
Identifiers: ClinVar variation 2916813 (VCV002916813.4), dbSNP rs1305496497, ClinGen allele CA514793437.
Genomic context (GRCh38, chr22:41,157,264, plus strand): 5'-TTCTACCATTAAGAGGAAGTTAGACACTGGACAGTATCAGGAGCCCTGGCAGTATGTCGA[T>C]GATATTTGGCTTATGTTCAATAATGCCTGGTTATATAACCGGAAAACATCACGGGTATAC-3'
Protein context (NP_001420.2, residues 1109-1129): GQYQEPWQYV[Asp1119=]DIWLMFNNAW

ClinVar aggregate classification (germline): Likely benign. Review status: criteria provided, single submitter (1 of 4 stars). 2 submissions from 2 submitters: Likely benign (1). 1 of the submissions does not count toward it. Last evaluated 2024-02-10.

Conditions:
EP300-related disorder. Also called: EP300-related condition; EP300-related disorders.
Rubinstein-Taybi syndrome due to EP300 haploinsufficiency. Also called: EP300-Related Rubinstein-Taybi Syndrome; RUBINSTEIN-TAYBI SYNDROME 2. Identifiers: Orphanet 353284, Orphanet 783, MedGen C3150941, MONDO:0013364, OMIM 613684.

Allele frequency attached by ClinVar (database versions not stated): gnomAD 0.00001; TOPMed 0.00001; gnomAD exomes below 0.00001.
gnomAD v4.1: 2 of 1,614,026 alleles (0.00012%); highest among the groups gnomAD compares: Admixed American, 0.0033%; no homozygotes.

Submissions (2):

Labcorp Genetics (formerly Invitae), Labcorp
Classification: Likely benign for Rubinstein-Taybi syndrome due to EP300 haploinsufficiency. Last evaluated: 2024-02-10. Review status: criteria provided, single submitter. Criteria: Invitae Variant Classification Sherloc (09022015). Collection method: clinical testing. Allele origin: germline.

PreventionGenetics, part of Exact Sciences
Classification: Likely benign for EP300-related condition. Last evaluated: 2022-04-08. Review status: no assertion criteria provided. Collection method: clinical testing. Allele origin: germline. Not counted in ClinVar's aggregate classification.
Comment: This variant is classified as likely benign based on ACMG/AMP sequence variant interpretation guidelines (Richards et al. 2015 PMID: 25741868, with internal and published modifications).